The following is an entry in ClinVar:

NM_000388.4(CASR):c.924_925dup (p.Gln309fs)

Gene: CASR (calcium sensing receptor; plus strand). Cytogenetic location: 3q21.1.
Variant type: Duplication.
Coding change: c.924_925dup on transcript NM_000388.4 (MANE Select); coding-DNA positions 924 to 925, 2 bases duplicated (TC; older notation c.924_925dupTC).
Protein change: p.Gln309fs; shifts the reading frame from glutamine 309.
Molecular consequence: frameshift variant.
Genome position (GRCh38, 1-based): chr3:122,261,959-122,261,960, TC duplicated; duplicating any 2 consecutive bases within chr3:122,261,958-122,261,960 gives the same sequence; the c. name uses the placement nearest the transcript's 3' end. VCF-style (leftmost placement, unchanged base first): chr3-122261957-C-CCT. GRCh37 (hg19) VCF-style: chr3-121980804-C-CCT.
Other names: c.924_925dup, p.Gln309fs (NM_001178065.2); short protein forms Q309fs.
Identifiers: ClinVar variation 1074500 (VCV001074500.8), dbSNP rs2107632553, ClinGen allele CA2499216410.

ClinVar aggregate classification (germline): Pathogenic (1 of 4 stars; one submission).

Conditions:
Familial hypocalciuric hypercalcemia (FHH). Also called: Familial benign hypercalcemia. Identifiers: Orphanet 405, MedGen C1809471, MONDO:0018458.
Autosomal dominant hypocalcemia 1 (HYPOC1). Also called: HYPOCALCEMIA, FAMILIAL. Identifiers: MedGen C3715128, MONDO:0011013, OMIM 601198.

Submission:

Labcorp Genetics (formerly Invitae), Labcorp
Classification: Pathogenic for Familial hypocalciuric hypercalcemia; Autosomal dominant hypocalcemia 1. Last evaluated: 2020-01-23. Review status: criteria provided, single submitter. Criteria: Invitae Variant Classification Sherloc (09022015). Collection method: clinical testing. Allele origin: germline.
Comment: This variant has not been reported in the literature in individuals with CASR-related conditions. For these reasons, this variant has been classified as Pathogenic. Loss-of-function variants in CASR are known to be pathogenic (PMID: 22422767). This variant is not present in population databases (ExAC no frequency). This sequence change creates a premature translational stop signal (p.Gln309Leufs*15) in the CASR gene. It is expected to result in an absent or disrupted protein product.

Literature cited by the submitters: PubMed 22422767.